The following is an entry in ClinVar:

NM_032322.4(RNF135):c.1240T>C (p.Phe414Leu)

Gene: RNF135 (ring finger protein 135; plus strand). Cytogenetic location: 17q11.2.
Variant type: single nucleotide variant.
Coding change: c.1240T>C on transcript NM_032322.4 (MANE Select); coding-DNA position 1240, T replaced by C.
Protein change: p.Phe414Leu; replaces phenylalanine 414 with leucine.
Molecular consequence: missense variant. On other transcripts: 3 prime UTR variant (2).
Genome position (GRCh38, 1-based): chr17:30,999,132, T>C. VCF-style: chr17-30999132-T-C. GRCh37 (hg19) VCF-style: chr17-29326150-T-C.
Other names: c.*444T>C (NM_001184992.2, NM_197939.2); short protein forms F414L.
Identifiers: ClinVar variation 3049354 (VCV003049354.2), dbSNP rs201019019, ClinGen allele CA8485407.

ClinVar aggregate classification (germline): Uncertain significance (0 of 4 stars; one submission).

Conditions:
RNF135-related disorder. Also called: RNF135-related condition.

Allele frequency attached by ClinVar (database versions not stated): gnomAD exomes below 0.00001; gnomAD 0.00001; ExAC 0.00003; 1000 Genomes Project 30x 0.00016; 1000 Genomes Project 0.00020.
gnomAD v4.1: 7 of 1,614,190 alleles (0.00043%); highest among the groups gnomAD compares: South Asian, 0.0055%; no homozygotes.

Submission:

PreventionGenetics, part of Exact Sciences
Classification: Uncertain significance for RNF135-related condition. Last evaluated: 2023-10-20. Review status: no assertion criteria provided. Collection method: clinical testing. Allele origin: germline.
Comment: The RNF135 c.1240T>C variant is predicted to result in the amino acid substitution p.Phe414Leu. To our knowledge, this variant has not been reported in the literature. This variant is reported in 0.013% of alleles in individuals of South Asian descent in gnomAD. At this time, the clinical significance of this variant is uncertain due to the absence of conclusive functional and genetic evidence.